The following is an entry in ClinVar:

NC_000002.12:g.32265949C>A

Gene: NLRC4 (NLR family CARD domain containing 4; minus strand). Cytogenetic location: 2p22.3.
Variant type: single nucleotide variant.
Genome position: GRCh38 VCF-style: chr2-32265949-C-A. GRCh37 (hg19) VCF-style: chr2-32491018-C-A.
Identifiers: ClinVar variation 102938 (VCV000102938.2), dbSNP rs199475950, ClinGen allele CA229901.

ClinVar aggregate classification (germline): not provided (0 of 4 stars; one submission).

Allele frequency attached by ClinVar (database versions not stated): TOPMed 0.00055; gnomAD 0.00057; 1000 Genomes Project 0.00100; 1000 Genomes Project 30x 0.00125.

Submission:

Human Evolutionary Genetics, Institut Pasteur
No classification provided. Review status: no classification provided. Collection method: not provided. Allele origin: germline.
ClinVar note: Converted during submission from untested to not provided.